The following is an entry in ClinVar:

NM_006767.4(LZTR1):c.2402_2404del (p.Thr801del)

Gene: LZTR1 (leucine zipper like post translational regulator 1; plus strand). Cytogenetic location: 22q11.21.
Variant type: Deletion.
Coding change: c.2402_2404del on transcript NM_006767.4 (MANE Select); coding-DNA positions 2402 to 2404, 3 bases deleted (CCA; older notation c.2402_2404delCCA).
Protein change: p.Thr801del; deletes threonine 801.
Molecular consequence: inframe deletion.
Genome position (GRCh38, 1-based): chr22:20,996,962-20,996,964, CCA deleted; deleting any 3 consecutive bases within chr22:20,996,960-20,996,964 gives the same sequence; the c. name uses the placement nearest the transcript's 3' end. VCF-style (leftmost placement, unchanged base first): chr22-20996959-TCAC-T. GRCh37 (hg19) VCF-style: chr22-21351248-TCAC-T.
Other names: short protein forms T801del.
Identifiers: ClinVar variation 3869240 (VCV003869240.1).
Genomic context (GRCh38, chr22:20,996,959, plus strand): 5'-CTGACAAAACGCAGGCACTGGACATGAAGCGGCACTGCCTGCACATCATTGTGCACCAGT[TCAC>T]CAAGGTCAGGGCTCTGGCCTCCCCTTCAGGACTCGCTTCCCCTTGGCAGTGGCCATGCCC-3'

ClinVar aggregate classification (germline): Uncertain significance (1 of 4 stars; one submission).

Conditions:
Hereditary cancer-predisposing syndrome. Also called: Hereditary neoplastic syndrome; Neoplastic Syndromes, Hereditary; Tumor predisposition; Hereditary Cancer Syndrome. Identifiers: Orphanet 140162, MedGen C0027672, MeSH D009386, MONDO:0015356.
Cardiovascular phenotype. Identifiers: MedGen CN230736.

Submission:

Ambry Genetics
Classification: Uncertain significance for Cardiovascular phenotype; Hereditary cancer-predisposing syndrome. Last evaluated: 2024-12-17. Review status: criteria provided, single submitter. Criteria: Ambry Variant Classification Scheme 2023. Collection method: clinical testing. Allele origin: germline.
Comment: The c.2402_2404delCCA variant (also known as p.T801del) is located in coding exon 20 of the LZTR1 gene. This variant results from an in-frame CCA deletion at nucleotide positions 2402 to 2404. This results in the in-frame deletion of a threonine at codon 801. This amino acid position is well conserved in available vertebrate species. In addition, this alteration is predicted to be deleterious by in silico analysis (Choi Y et al. PLoS ONE. 2012; 7(10):e46688). Based on the available evidence, the clinical significance of this variant remains unclear.